The following is an entry in ClinVar:

NM_022455.5(NSD1):c.6965dup (p.Ala2323fs)

Gene: NSD1 (nuclear receptor binding SET domain protein 1; plus strand). Cytogenetic location: 5q35.3.
Variant type: Duplication.
Coding change: c.6965dup on transcript NM_022455.5 (MANE Select); coding-DNA position 6965, one base duplicated (T; older notation c.6965dupT).
Protein change: p.Ala2323fs; shifts the reading frame from alanine 2323.
Molecular consequence: frameshift variant.
Genome position (GRCh38, 1-based): chr5:177,294,333, T duplicated. VCF-style (leftmost placement, unchanged base first): chr5-177294332-G-GT. GRCh37 (hg19) VCF-style: chr5-176721333-G-GT.
Other names: c.6965dupT (NM_022455.4); c.6092dup, p.Ala2032Glyfs (NM_001365684.2, NM_001409308.1, NM_172349.5); c.6965dup, p.Ala2323Glyfs (NM_001409301.1, NM_001409302.1, NM_001409303.1); c.6545dup, p.Ala2183Glyfs (NM_001409304.1); c.6212dup, p.Ala2072Glyfs (NM_001409305.1); c.6203dup, p.Ala2069Glyfs (NM_001409306.1, NM_001409307.1); c.5843dup, p.Ala1949Glyfs (NM_001409309.1); short protein forms A2323fs, A2054fs.
Identifiers: ClinVar variation 372814 (VCV000372814.2), dbSNP rs1057517998, ClinGen allele CA16042601.

ClinVar aggregate classification (germline): Likely pathogenic (1 of 4 stars; one submission).

Submission:

GeneDx
Classification: Likely pathogenic. Last evaluated: 2015-12-09. Review status: criteria provided, single submitter. Criteria: GeneDx Variant Classification (06012015). Collection method: clinical testing. Allele origin: germline. Affected: yes.
Comment: The c.6965dupT variant in the NSD1 gene has not been reported previously as a pathogenic variant nor as a benign variant, to our knowledge. The c.6965dupT variant causes a frameshift starting with codon Alanine 2323, changes this amino acid to a Glycine residue, and creates a premature Stop codon at position 36 of the new reading frame, denoted p.Ala2323GlyfsX36. This variant is predicted to cause loss of normal protein function through protein truncation. The c.6965dupT variant was not observed in approximately 6500 individuals of European and African American ancestry in the NHLBI Exome Sequencing Project, indicating it is not a common benign variant in these populations. Protein truncating pathogenic variants downstream of this variant have been reported in the Human Gene Mutation Database in association with NSD1-related disorders (Stenson et al., 2014), supporting the pathogenicity of more upstream truncating variants. The c.6965dupT variant is a strong candidate for a pathogenic variant however, the possibility it may be a rare benign variant cannot be excluded.